The following is an entry in ClinVar:

NM_022042.4(SLC26A1):c.532A>G (p.Ile178Val)

Genes: IDUA (alpha-L-iduronidase; plus strand), SLC26A1 (solute carrier family 26 member 1; minus strand). Cytogenetic location: 4p16.3.
Variant type: single nucleotide variant.
Coding change: c.532A>G on transcript NM_022042.4 (MANE Select); coding-DNA position 532, A replaced by G.
Protein change: p.Ile178Val; replaces isoleucine 178 with valine.
Molecular consequence: missense variant. On other transcripts: intron variant (1).
Genome position (GRCh38, 1-based): chr4:991,172, T>C on the plus strand (A>G on the coding strand, the complement: SLC26A1 is on the minus strand). VCF-style: chr4-991172-T-C. GRCh37 (hg19) VCF-style: chr4-984960-T-C.
Other names: c.532A>G (NM_213613.2); c.532A>G, p.Ile178Val (NM_134425.4, NM_213613.4); c.299+3223T>C (NM_000203.5); short protein forms I178V.
Identifiers: ClinVar variation 2149271 (VCV002149271.5), dbSNP rs1420698720, ClinGen allele CA355957677.

ClinVar aggregate classification (germline): Uncertain significance. Review status: criteria provided, multiple submitters, no conflicts (2 of 4 stars). 2 submissions from 2 submitters: Uncertain significance (2). Last evaluated 2025-12-09.

Conditions:
Inborn genetic diseases. Identifiers: MedGen C0950123, MeSH D030342.

Allele frequency attached by ClinVar (database versions not stated): TOPMed below 0.00001; gnomAD 0.00001.
gnomAD v4.1: 1 of 1,569,696 alleles (0.000064%); highest among the groups gnomAD compares: Non-Finnish European, 0.000087%; no homozygotes.

Submissions (2):

Ambry Genetics
Classification: Uncertain significance for Inborn genetic diseases. Last evaluated: 2025-12-09. Review status: criteria provided, single submitter. Criteria: Ambry Variant Classification Scheme 2023. Collection method: clinical testing. Allele origin: germline.

Labcorp Genetics (formerly Invitae), Labcorp
Classification: Uncertain significance. Last evaluated: 2022-09-28. Review status: criteria provided, single submitter. Criteria: Invitae Variant Classification Sherloc (09022015). Collection method: clinical testing. Allele origin: germline.
Comment: This variant has not been reported in the literature in individuals affected with SLC26A1-related conditions. In summary, the available evidence is currently insufficient to determine the role of this variant in disease. Therefore, it has been classified as a Variant of Uncertain Significance. Advanced modeling of protein sequence and biophysical properties (such as structural, functional, and spatial information, amino acid conservation, physicochemical variation, residue mobility, and thermodynamic stability) performed at Invitae indicates that this missense variant is not expected to disrupt SLC26A1 protein function. This variant is present in population databases (no rsID available, gnomAD 0.007%). This sequence change replaces isoleucine, which is neutral and non-polar, with valine, which is neutral and non-polar, at codon 178 of the SLC26A1 protein (p.Ile178Val).